The following is an entry in ClinVar:

ClinVar aggregate classification (germline): Pathogenic (1 of 4 stars; one submission).

Conditions:
Developmental and epileptic encephalopathy, 34 (DEE34). Also called: Early infantile epileptic encephalopathy 34; SLC12A5-Related Epilepsy of Infancy with Migrating Focal Seizures. Identifiers: Orphanet 293181, MedGen C4225257, MONDO:0014718, OMIM 616645.

Submission:

Labcorp Genetics (formerly Invitae), Labcorp
Classification: Pathogenic for Developmental and epileptic encephalopathy, 34. Last evaluated: 2025-08-18. Review status: criteria provided, single submitter. Criteria: Invitae Variant Classification Sherloc (09022015). Collection method: clinical testing. Allele origin: germline.
Comment: This sequence change creates a premature translational stop signal (p.Asn229Lysfs*85) in the SLC12A5 gene. It is expected to result in an absent or disrupted protein product. Loss-of-function variants in SLC12A5 are known to be pathogenic (PMID: 26333769, 27436767). This variant is not present in population databases (gnomAD no frequency). This variant has not been reported in the literature in individuals affected with SLC12A5-related conditions. For these reasons, this variant has been classified as Pathogenic.

Literature cited by the submitters: PubMed 26333769; PubMed 27436767.

NM_020708.5(SLC12A5):c.687del (p.Asn229fs)

Gene: SLC12A5 (solute carrier family 12 member 5; plus strand). Cytogenetic location: 20q13.12.
Variant type: Deletion.
Coding change: c.687del on transcript NM_020708.5 (MANE Select); coding-DNA position 687, one base deleted (C; older notation c.687delC).
Protein change: p.Asn229fs; shifts the reading frame from asparagine 229.
Molecular consequence: frameshift variant.
Genome position (GRCh38, 1-based): chr20:46,040,447, C deleted. VCF-style (leftmost placement, unchanged base first): chr20-46040446-AC-A. GRCh37 (hg19) VCF-style: chr20-44669085-AC-A.
Other names: c.756del, p.Asn252fs (NM_001134771.2); short protein forms N252fs, N229fs.
Identifiers: ClinVar variation 4725593 (VCV004725593.1).